The following is an entry in ClinVar:

ClinVar aggregate classification (germline): Uncertain significance (1 of 4 stars; one submission).

Allele frequency attached by ClinVar (database versions not stated): TOPMed below 0.00001; gnomAD 0.00001.
gnomAD v4.1: 1 of 1,614,172 alleles (0.000062%); highest among the groups gnomAD compares: African/African-American, 0.0013%; no homozygotes.

Submission:

Labcorp Genetics (formerly Invitae), Labcorp
Classification: Uncertain significance. Last evaluated: 2021-08-27. Review status: criteria provided, single submitter. Criteria: Invitae Variant Classification Sherloc (09022015). Collection method: clinical testing. Allele origin: germline.
Comment: This sequence change replaces serine with phenylalanine at codon 1392 of the LAMC3 protein (p.Ser1392Phe). The serine residue is moderately conserved and there is a large physicochemical difference between serine and phenylalanine. This variant is not present in population databases (ExAC no frequency). This variant has not been reported in the literature in individuals affected with LAMC3-related conditions. Algorithms developed to predict the effect of missense changes on protein structure and function are either unavailable or do not agree on the potential impact of this missense change (SIFT: "Tolerated"; PolyPhen-2: "Possibly Damaging"; Align-GVGD: "Class C0"). In summary, the available evidence is currently insufficient to determine the role of this variant in disease. Therefore, it has been classified as a Variant of Uncertain Significance.

NM_006059.4(LAMC3):c.4175C>T (p.Ser1392Phe)

Gene: LAMC3 (laminin subunit gamma 3; plus strand). Cytogenetic location: 9q34.12.
Variant type: single nucleotide variant.
Coding change: c.4175C>T on transcript NM_006059.4 (MANE Select); coding-DNA position 4175, C replaced by T.
Protein change: p.Ser1392Phe; replaces serine 1392 with phenylalanine.
Molecular consequence: missense variant.
Genome position (GRCh38, 1-based): chr9:131,085,668, C>T. VCF-style: chr9-131085668-C-T. GRCh37 (hg19) VCF-style: chr9-133961055-C-T.
Other names: short protein forms S1392F.
Identifiers: ClinVar variation 1355968 (VCV001355968.5), dbSNP rs1830318950, ClinGen allele CA375264697.
Genomic context (GRCh38, chr9:131,085,668, plus strand): 5'-ACACGAGAAAGAAGACCAAGCAGGCGGAGAGGATGCTGGGAAACGCGGCCCCTCTTTCCT[C>T]CAGTGCCAAGAAGAAGGGCAGAGAAGCAGAGGTGTTGGCCAAGGACAGTGCCAAGGTCAG-3'
Protein context (NP_006050.3, residues 1382-1402): RMLGNAAPLS[Ser1392Phe]SAKKKGREAE